The following is an entry in ClinVar:

ClinVar aggregate classification (germline): Likely pathogenic (1 of 4 stars; one submission).

Conditions:
Autosomal recessive Alport syndrome (ATS2). Also called: ALPORT SYNDROME 2, AUTOSOMAL RECESSIVE; Alport syndrome type 2; COL4A4 Alport Syndrome and Thin Basement Membrane Nephropathy; COL4A3-Related Nephropathy. Identifiers: Orphanet 63, Orphanet 88919, MedGen C4746745, MONDO:0008762, OMIM 203780.

Submission:

Myriad Genetics, Inc.
Classification: Likely pathogenic for Autosomal recessive Alport syndrome. Last evaluated: 2019-04-10. Review status: criteria provided, single submitter. Criteria: Myriad Women's Health Autosomal Recessive and X-Linked Classification Criteria (2019). Collection method: clinical testing. Allele origin: unknown.
Comment: NM_000091.4(COL4A3):c.2953G>T(G985*) is expected to be pathogenic in the context of COL4A3-related Alport syndrome. This variant is predicted to lead to an abnormal or absent protein product due to the creation of a premature termination codon in COL4A3, a gene where loss-of-function variants are known to be pathogenic. Please note: this variant was assessed in the context of healthy population screening.

NM_000091.5(COL4A3):c.2953G>T (p.Gly985Ter)

Genes: COL4A3 (collagen type IV alpha 3 chain; plus strand), MFF-DT (MFF divergent transcript; minus strand). Cytogenetic location: 2q36.3.
Variant type: single nucleotide variant.
Coding change: c.2953G>T on transcript NM_000091.5 (MANE Select); coding-DNA position 2953, G replaced by T.
Protein change: p.Gly985Ter; replaces glycine 985 with a stop codon.
Molecular consequence: nonsense.
Genome position (GRCh38, 1-based): chr2:227,289,221, G>T. VCF-style: chr2-227289221-G-T. GRCh37 (hg19) VCF-style: chr2-228153937-G-T.
Other names: short protein forms G985*.
Identifiers: ClinVar variation 983593 (VCV000983593.3), dbSNP rs2072530756, ClinGen allele CA350854414.